The following is an entry in ClinVar:

NM_003322.6(TULP1):c.1220T>A (p.Ile407Asn)

Gene: TULP1 (TUB like protein 1; minus strand). Cytogenetic location: 6p21.31.
Variant type: single nucleotide variant.
Coding change: c.1220T>A on transcript NM_003322.6 (MANE Select); coding-DNA position 1220, T replaced by A.
Protein change: p.Ile407Asn; replaces isoleucine 407 with asparagine.
Molecular consequence: missense variant.
Genome position (GRCh38, 1-based): chr6:35,503,741, A>T on the plus strand (T>A on the coding strand, the complement: TULP1 is on the minus strand). VCF-style: chr6-35503741-A-T. GRCh37 (hg19) VCF-style: chr6-35471518-A-T.
Other names: c.1061T>A, p.Ile354Asn (NM_001289395.2); short protein forms I407N, I354N.
Identifiers: ClinVar variation 1471645 (VCV001471645.8), dbSNP rs1761021257, ClinGen allele CA363779251.

ClinVar aggregate classification (germline): Uncertain significance (1 of 4 stars; one submission).

Allele frequency attached by ClinVar (database versions not stated): TOPMed below 0.00001.

Submission:

Labcorp Genetics (formerly Invitae), Labcorp
Classification: Uncertain significance. Last evaluated: 2024-02-24. Review status: criteria provided, single submitter. Criteria: Invitae Variant Classification Sherloc (09022015). Collection method: clinical testing. Allele origin: germline.
Comment: This sequence change replaces isoleucine, which is neutral and non-polar, with asparagine, which is neutral and polar, at codon 407 of the TULP1 protein (p.Ile407Asn). This variant is not present in population databases (gnomAD no frequency). This variant has not been reported in the literature in individuals affected with TULP1-related conditions. ClinVar contains an entry for this variant (Variation ID: 1471645). Advanced modeling of protein sequence and biophysical properties (such as structural, functional, and spatial information, amino acid conservation, physicochemical variation, residue mobility, and thermodynamic stability) has been performed at Invitae for this missense variant, however the output from this modeling did not meet the statistical confidence thresholds required to predict the impact of this variant on TULP1 protein function. In summary, the available evidence is currently insufficient to determine the role of this variant in disease. Therefore, it has been classified as a Variant of Uncertain Significance.